The following is an entry in ClinVar:

NM_002857.4(PEX19):c.305T>C (p.Val102Ala)

Gene: PEX19 (peroxisomal biogenesis factor 19; minus strand). Cytogenetic location: 1q23.2.
Variant type: single nucleotide variant.
Coding change: c.305T>C on transcript NM_002857.4 (MANE Select); coding-DNA position 305, T replaced by C.
Protein change: p.Val102Ala; replaces valine 102 with alanine.
Molecular consequence: missense variant. On other transcripts: non-coding transcript variant (2).
Genome position (GRCh38, 1-based): chr1:160,282,985, A>G on the plus strand (T>C on the coding strand, the complement: PEX19 is on the minus strand). VCF-style: chr1-160282985-A-G. GRCh37 (hg19) VCF-style: chr1-160252775-A-G.
Other names: c.305T>C, p.Val102Ala (NM_001193644.1); short protein forms V102A.
Identifiers: ClinVar variation 2068477 (VCV002068477.4), dbSNP rs199711303, ClinGen allele CA1197411.

ClinVar aggregate classification (germline): Uncertain significance (1 of 4 stars; one submission).

Conditions:
Peroxisome biogenesis disorder 12A (Zellweger). Also called: Peroxisome biogenesis disorder 12A. Identifiers: Orphanet 912, MedGen C3554002, MONDO:0013951, OMIM 614886.

Allele frequency attached by ClinVar (database versions not stated): ExAC 0.00001; gnomAD exomes 0.00001.
gnomAD v4.1: 15 of 1,614,128 alleles (0.00093%); highest among the groups gnomAD compares: African/African-American, 0.0027%; no homozygotes.

Submission:

Labcorp Genetics (formerly Invitae), Labcorp
Classification: Uncertain significance for Peroxisome biogenesis disorder 12A (Zellweger). Last evaluated: 2022-03-04. Review status: criteria provided, single submitter. Criteria: Invitae Variant Classification Sherloc (09022015). Collection method: clinical testing. Allele origin: germline.
Comment: In summary, the available evidence is currently insufficient to determine the role of this variant in disease. Therefore, it has been classified as a Variant of Uncertain Significance. Algorithms developed to predict the effect of missense changes on protein structure and function are either unavailable or do not agree on the potential impact of this missense change (SIFT: "Tolerated"; PolyPhen-2: "Benign"; Align-GVGD: "Class C25"). This sequence change replaces valine, which is neutral and non-polar, with alanine, which is neutral and non-polar, at codon 102 of the PEX19 protein (p.Val102Ala). This variant is present in population databases (rs199711303, gnomAD 0.004%). This variant has not been reported in the literature in individuals affected with PEX19-related conditions.